The following is an entry in ClinVar:

ClinVar aggregate classification (germline): Likely pathogenic (1 of 4 stars; one submission).

gnomAD v4.1: 1 of 1,602,984 alleles (0.000062%); highest among the groups gnomAD compares: African/African-American, 0.0013%; no homozygotes.

Submission:

GeneDx
Classification: Likely pathogenic. Last evaluated: 2026-02-12. Review status: criteria provided, single submitter. Criteria: GeneDx Variant Classification Process June 2021. Collection method: clinical testing. Allele origin: germline.
Comment: Not observed at significant frequency in large population cohorts (gnomAD); In silico analysis suggests that this missense variant does not alter protein structure/function; Has not been previously published as pathogenic or benign to our knowledge

NM_005465.7(AKT3):c.487A>G (p.Ile163Val)

Gene: AKT3 (AKT serine/threonine kinase 3; minus strand). Cytogenetic location: 1q44.
Variant type: single nucleotide variant.
Coding change: c.487A>G on transcript NM_005465.7 (MANE Select); coding-DNA position 487, A replaced by G.
Protein change: p.Ile163Val; replaces isoleucine 163 with valine.
Molecular consequence: missense variant.
Genome position (GRCh38, 1-based): chr1:243,637,685, T>C on the plus strand (A>G on the coding strand, the complement: AKT3 is on the minus strand). VCF-style: chr1-243637685-T-C. GRCh37 (hg19) VCF-style: chr1-243800987-T-C.
Other names: c.487A>G, p.Ile163Val (NM_001206729.2, NM_001370074.1, NM_181690.2); short protein forms I163V.
Identifiers: ClinVar variation 3360344 (VCV003360344.2).